The following is an entry in ClinVar:

NM_000255.4(MMUT):c.647C>A (p.Thr216Asn)

Gene: MMUT (methylmalonyl-CoA mutase; minus strand). Cytogenetic location: 6p12.3.
Variant type: single nucleotide variant.
Coding change: c.647C>A on transcript NM_000255.4 (MANE Select); coding-DNA position 647, C replaced by A.
Protein change: p.Thr216Asn; replaces threonine 216 with asparagine.
Molecular consequence: missense variant.
Genome position (GRCh38, 1-based): chr6:49,457,797, G>T on the plus strand (C>A on the coding strand, the complement: MMUT is on the minus strand). VCF-style: chr6-49457797-G-T. GRCh37 (hg19) VCF-style: chr6-49425510-G-T.
Other names: short protein forms T216N.
Identifiers: ClinVar variation 466221 (VCV000466221.11), dbSNP rs1554160650, ClinGen allele CA364404287.

ClinVar aggregate classification (germline): Uncertain significance. Review status: criteria provided, multiple submitters, no conflicts (2 of 4 stars). 2 submissions from 2 submitters: Uncertain significance (2). Last evaluated 2026-08-05.

Conditions:
Methylmalonic aciduria due to methylmalonyl-CoA mutase deficiency (MAMM). Also called: Methylmalonic aciduria, mut type. Identifiers: Orphanet 27, MedGen C1855114, MONDO:0009612, OMIM 251000.

Submissions (2):

Myriad Genetics, Inc.
Classification: Uncertain significance for Methylmalonic aciduria due to methylmalonyl-CoA mutase deficiency. Last evaluated: 2026-08-05. Review status: criteria provided, single submitter. Criteria: Myriad Autosomal Dominant, Autosomal Recessive and X-Linked Classification Criteria (2023). Collection method: clinical testing. Allele origin: unknown.
Comment: NM_000255.3(MMUT):c.647C>A(T216N) is a missense variant classified as a variant of uncertain significance in the context of methylmalonic acidemia, MMUT-related. T216N has been observed in a case with relevant disease (PMID: 41257776). Relevant functional assessments of this variant are not available in the literature. T216N has not been observed in referenced population frequency databases. In summary, there is insufficient evidence to classify NM_000255.3(MMUT):c.647C>A(T216N) as pathogenic or benign. Please note: this variant was assessed in the context of healthy population screening.

Labcorp Genetics (formerly Invitae), Labcorp
Classification: Uncertain significance. Last evaluated: 2017-07-16. Review status: criteria provided, single submitter. Criteria: Invitae Variant Classification Sherloc (09022015). Collection method: clinical testing. Allele origin: germline.
Comment: In summary, the available evidence is currently insufficient to determine the role of this variant in disease. Therefore, it has been classified as a Variant of Uncertain Significance. Algorithms developed to predict the effect of sequence changes on RNA splicing suggest that this variant may create or strengthen a splice site, but this prediction has not been confirmed by published transcriptional studies. This sequence change replaces threonine with asparagine at codon 216 of the MUT protein (p.Thr216Asn). The threonine residue is highly conserved and there is a small physicochemical difference between threonine and asparagine. This variant is not present in population databases (ExAC no frequency). This variant has not been reported in the literature in individuals with MUT-related disease. Algorithms developed to predict the effect of missense changes on protein structure and function do not agree on the potential impact of this missense change (SIFT: "Deleterious"; PolyPhen-2: "Probably Damaging"; Align-GVGD: "Class C0").

Literature cited by the submitters: PubMed 41257776 (cited by Myriad Genetics, Inc.).